The following is an entry in ClinVar:

NM_001999.4(FBN2):c.5450G>T (p.Gly1817Val)

Gene: FBN2 (fibrillin 2; minus strand). Cytogenetic location: 5q23.3.
Variant type: single nucleotide variant.
Coding change: c.5450G>T on transcript NM_001999.4 (MANE Select); coding-DNA position 5450, G replaced by T.
Protein change: p.Gly1817Val; replaces glycine 1817 with valine.
Molecular consequence: missense variant.
Genome position (GRCh38, 1-based): chr5:128,305,921, C>A on the plus strand (G>T on the coding strand, the complement: FBN2 is on the minus strand). VCF-style: chr5-128305921-C-A. GRCh37 (hg19) VCF-style: chr5-127641613-C-A.
Other names: c.5450G>T (NM_001999.3); short protein forms G1817V.
Identifiers: ClinVar variation 2154620 (VCV002154620.6), dbSNP rs775845827, ClinGen allele CA3394690.

ClinVar aggregate classification (germline): Uncertain significance. Review status: criteria provided, multiple submitters, no conflicts (2 of 4 stars). 3 submissions from 3 submitters: Uncertain significance (3). Last evaluated 2026-05-04.

Conditions:
Familial thoracic aortic aneurysm and aortic dissection (TAAD). Also called: Thoracic aortic aneurysms and dissections. Identifiers: Orphanet 91387, MedGen C4707243, MONDO:0019625.
Congenital contractural arachnodactyly (CCA). Also called: Beals-Hecht syndrome; BEALS SYNDROME; Arthrogryposis, distal, type 9. Identifiers: Orphanet 115, MedGen C0220668, MONDO:0007363, OMIM 121050.
FBN2-related disorder. Also called: FBN2-related condition.

Allele frequency attached by ClinVar (database versions not stated): TOPMed below 0.00001; ExAC 0.00001.
gnomAD v4.1: 4 of 1,613,780 alleles (0.00025%); highest among the groups gnomAD compares: Non-Finnish European, 0.00034%; no homozygotes.

Submissions (3):

PreventionGenetics, part of Exact Sciences
Classification: Uncertain significance for FBN2-related condition. Last evaluated: 2026-05-04. Review status: criteria provided, single submitter. Criteria: ACMG Guidelines, 2015. Collection method: clinical testing. Allele origin: germline.
Comment: The FBN2 c.5450G>T variant is predicted to result in the amino acid substitution p.Gly1817Val. To our knowledge, this variant has not been reported in the literature. This variant is reported in 0.0018% of alleles in individuals of European (Non-Finnish) descent in gnomAD. At this time, the clinical significance of this variant is uncertain due to the absence of conclusive functional and genetic evidence.

Labcorp Genetics (formerly Invitae), Labcorp
Classification: Uncertain significance for Congenital contractural arachnodactyly. Last evaluated: 2025-02-20. Review status: criteria provided, single submitter. Criteria: Invitae Variant Classification Sherloc (09022015). Collection method: clinical testing. Allele origin: germline.
Comment: This sequence change replaces glycine, which is neutral and non-polar, with valine, which is neutral and non-polar, at codon 1817 of the FBN2 protein (p.Gly1817Val). This variant is present in population databases (rs775845827, gnomAD 0.002%). This variant has not been reported in the literature in individuals affected with FBN2-related conditions. ClinVar contains an entry for this variant (Variation ID: 2154620). Invitae Evidence Modeling of protein sequence and biophysical properties (such as structural, functional, and spatial information, amino acid conservation, physicochemical variation, residue mobility, and thermodynamic stability) indicates that this missense variant is expected to disrupt FBN2 protein function with a positive predictive value of 80%. In summary, the available evidence is currently insufficient to determine the role of this variant in disease. Therefore, it has been classified as a Variant of Uncertain Significance.

Ambry Genetics
Classification: Uncertain significance for Familial thoracic aortic aneurysm and aortic dissection. Last evaluated: 2024-02-23. Review status: criteria provided, single submitter. Criteria: Ambry Variant Classification Scheme 2023. Collection method: clinical testing. Allele origin: germline.
Comment: The p.G1817V variant (also known as c.5450G>T), located in coding exon 43 of the FBN2 gene, results from a G to T substitution at nucleotide position 5450. The glycine at codon 1817 is replaced by valine, an amino acid with dissimilar properties. This amino acid position is well conserved in available vertebrate species. In addition, this alteration is predicted to be deleterious by in silico analysis. Based on the available evidence, the clinical significance of this alteration remains unclear.